The following is an entry in ClinVar:

ClinVar aggregate classification (germline): Uncertain significance (1 of 4 stars; one submission).

Submission:

GeneDx
Classification: Uncertain significance. Last evaluated: 2024-02-01. Review status: criteria provided, single submitter. Criteria: GeneDx Variant Classification Process June 2021. Collection method: clinical testing. Allele origin: germline. Affected: yes.
Comment: Not observed at significant frequency in large population cohorts (gnomAD); In silico analysis supports that this missense variant does not alter protein structure/function; Has not been previously published as pathogenic or benign to our knowledge

NM_022132.5(MCCC2):c.900G>T (p.Leu300Phe)

Gene: MCCC2 (methylcrotonyl-CoA carboxylase subunit 2; plus strand). Cytogenetic location: 5q13.2.
Variant type: single nucleotide variant.
Coding change: c.900G>T on transcript NM_022132.5 (MANE Select); coding-DNA position 900, G replaced by T.
Protein change: p.Leu300Phe; replaces leucine 300 with phenylalanine.
Molecular consequence: missense variant.
Genome position (GRCh38, 1-based): chr5:71,635,039, G>T. VCF-style: chr5-71635039-G-T. GRCh37 (hg19) VCF-style: chr5-70930866-G-T.
Other names: c.786G>T, p.Leu262Phe (NM_001363147.1); short protein forms L262F, L300F.
Identifiers: ClinVar variation 3368710 (VCV003368710.1).